The following is an entry in ClinVar:

NM_201384.3(PLEC):c.11584A>G (p.Arg3862Gly)

Gene: PLEC (plectin; minus strand). Cytogenetic location: 8q24.3.
Variant type: single nucleotide variant.
Coding change: c.11584A>G on transcript NM_201384.3 (MANE Select); coding-DNA position 11584, A replaced by G.
Protein change: p.Arg3862Gly; replaces arginine 3862 with glycine.
Molecular consequence: missense variant.
Genome position (GRCh38, 1-based): chr8:143,918,237, T>C on the plus strand (A>G on the coding strand, the complement: PLEC is on the minus strand). VCF-style: chr8-143918237-T-C. GRCh37 (hg19) VCF-style: chr8-144992405-T-C.
Other names: c.11584A>G, p.Arg3862Gly (NM_201382.4); c.11596A>G, p.Arg3866Gly (NM_201383.3); c.11995A>G, p.Arg3999Gly (NM_201380.4); c.11488A>G, p.Arg3830Gly (NM_201381.3); c.11542A>G, p.Arg3848Gly (NM_201378.4); c.11518A>G, p.Arg3840Gly (NM_201379.3); c.11665A>G, p.Arg3889Gly (NM_000445.5); short protein forms R3889G, R3840G, R3848G, R3866G, R3830G, R3999G, R3862G.
Identifiers: ClinVar variation 1430071 (VCV001430071.6), dbSNP rs1240592478, ClinGen allele CA372489690.

ClinVar aggregate classification (germline): Uncertain significance (1 of 4 stars; one submission).

Conditions:
Epidermolysis bullosa simplex 5B, with muscular dystrophy (EBS5B). Also called: EPIDERMOLYSIS BULLOSA SIMPLEX AND LIMB-GIRDLE MUSCULAR DYSTROPHY; Epidermolysis bullosa simplex with muscular dystrophy. Identifiers: Orphanet 257, MedGen C2931072, MONDO:0009181, OMIM 226670.
Epidermolysis bullosa simplex, Ogna type (EBS5A). Also called: Pidermolysis bullosa simplex 5A, Ogna type; EPIDERMOLYSIS BULLOSA SIMPLEX 5A, OGNA TYPE. Identifiers: Orphanet 79401, MedGen C0432317, MONDO:0007555, OMIM 131950.
Epidermolysis bullosa simplex with nail dystrophy (EBS5D). Identifiers: MedGen C4225309, MONDO:0014661, OMIM 616487.
Epidermolysis bullosa simplex 5C, with pyloric atresia (EBS5C). Also called: PLEC1-Related Epidermolysis Bullosa with Pyloric Atresia; Epidermolysis bullosa simplex with pyloric atresia; PLEC-Related Epidermolysis Bullosa with Pyloric Atresia. Identifiers: Orphanet 158684, MedGen C2677349, MONDO:0012807, OMIM 612138.
Autosomal recessive limb-girdle muscular dystrophy type 2Q (LGMDR17). Also called: MUSCULAR DYSTROPHY, LIMB-GIRDLE, AUTOSOMAL RECESSIVE 17. Identifiers: Orphanet 254361, MedGen C3150989, MONDO:0013390, OMIM 613723.

Allele frequency attached by ClinVar (database versions not stated): gnomAD exomes below 0.00001; gnomAD 0.00001; TOPMed 0.00001.
gnomAD v4.1: 2 of 1,586,176 alleles (0.00013%); highest among the groups gnomAD compares: Admixed American, 0.0017%; no homozygotes.

Submission:

Labcorp Genetics (formerly Invitae), Labcorp
Classification: Uncertain significance for Autosomal recessive limb-girdle muscular dystrophy type 2Q; Epidermolysis bullosa simplex, Ogna type; Epidermolysis bullosa simplex with nail dystrophy; Epidermolysis bullosa simplex 5C, with pyloric atresia; Epidermolysis bullosa simplex 5B, with muscular dystrophy. Last evaluated: 2025-03-19. Review status: criteria provided, single submitter. Criteria: Invitae Variant Classification Sherloc (09022015). Collection method: clinical testing. Allele origin: germline.
Comment: This sequence change replaces arginine, which is basic and polar, with glycine, which is neutral and non-polar, at codon 3889 of the PLEC protein (p.Arg3889Gly). This variant is not present in population databases (gnomAD no frequency). This variant has not been reported in the literature in individuals affected with PLEC-related conditions. ClinVar contains an entry for this variant (Variation ID: 1430071). An algorithm developed to predict the effect of missense changes on protein structure and function (PolyPhen-2) suggests that this variant is likely to be disruptive. In summary, the available evidence is currently insufficient to determine the role of this variant in disease. Therefore, it has been classified as a Variant of Uncertain Significance.